The following is an entry in ClinVar:

ClinVar aggregate classification (germline): Uncertain significance (1 of 4 stars; one submission).

Submission:

Labcorp Genetics (formerly Invitae), Labcorp
Classification: Uncertain significance. Last evaluated: 2025-08-06. Review status: criteria provided, single submitter. Criteria: Invitae Variant Classification Sherloc (09022015). Collection method: clinical testing. Allele origin: germline.
Comment: This sequence change replaces alanine, which is neutral and non-polar, with aspartic acid, which is acidic and polar, at codon 352 of the GPR143 protein (p.Ala352Asp). This variant is not present in population databases (gnomAD no frequency). This variant has not been reported in the literature in individuals affected with GPR143-related conditions. Invitae Evidence Modeling of protein sequence and biophysical properties (such as structural, functional, and spatial information, amino acid conservation, physicochemical variation, residue mobility, and thermodynamic stability) indicates that this missense variant is not expected to disrupt GPR143 protein function with a negative predictive value of 95%. In summary, the available evidence is currently insufficient to determine the role of this variant in disease. Therefore, it has been classified as a Variant of Uncertain Significance.

NM_000273.3(GPR143):c.1055C>A (p.Ala352Asp)

Gene: GPR143 (G protein-coupled receptor 143; minus strand). Cytogenetic location: Xp22.2.
Variant type: single nucleotide variant.
Coding change: c.1055C>A on transcript NM_000273.3 (MANE Select); coding-DNA position 1055, C replaced by A.
Protein change: p.Ala352Asp; replaces alanine 352 with aspartic acid.
Molecular consequence: missense variant.
Genome position (GRCh38, 1-based): chrX:9,739,550, G>T on the plus strand (C>A on the coding strand, the complement: GPR143 is on the minus strand). VCF-style: chrX-9739550-G-T. GRCh37 (hg19) VCF-style: chrX-9707590-G-T.
Other names: c.1055C>A, p.Ala352Asp (NM_001440781.1); short protein forms A352D.
Identifiers: ClinVar variation 4709553 (VCV004709553.1).